The following is an entry in ClinVar:

ClinVar aggregate classification (germline): Uncertain significance (1 of 4 stars; one submission).

Conditions:
Tuberous sclerosis 2 (TSC2). Identifiers: Orphanet 805, MedGen C1860707, MONDO:0013199, OMIM 613254.

gnomAD v4.1: 2 of 1,612,994 alleles (0.00012%); highest among the groups gnomAD compares: East Asian, 0.0022%; no homozygotes.

Submission:

Labcorp Genetics (formerly Invitae), Labcorp
Classification: Uncertain significance for Tuberous sclerosis 2. Last evaluated: 2024-05-04. Review status: criteria provided, single submitter. Criteria: Invitae Variant Classification Sherloc (09022015). Collection method: clinical testing. Allele origin: germline.
Comment: This sequence change replaces proline, which is neutral and non-polar, with arginine, which is basic and polar, at codon 1166 of the TSC2 protein (p.Pro1166Arg). This variant is not present in population databases (gnomAD no frequency). This variant has not been reported in the literature in individuals affected with TSC2-related conditions. ClinVar contains an entry for this variant (Variation ID: 1062740). Advanced modeling of protein sequence and biophysical properties (such as structural, functional, and spatial information, amino acid conservation, physicochemical variation, residue mobility, and thermodynamic stability) performed at Invitae indicates that this missense variant is not expected to disrupt TSC2 protein function with a negative predictive value of 95%. In summary, the available evidence is currently insufficient to determine the role of this variant in disease. Therefore, it has been classified as a Variant of Uncertain Significance.

NM_000548.5(TSC2):c.3497C>G (p.Pro1166Arg)

Gene: TSC2 (TSC complex subunit 2; plus strand). Cytogenetic location: 16p13.3.
Variant type: single nucleotide variant.
Coding change: c.3497C>G on transcript NM_000548.5 (MANE Select); coding-DNA position 3497, C replaced by G.
Protein change: p.Pro1166Arg; replaces proline 1166 with arginine.
Molecular consequence: missense variant.
Genome position (GRCh38, 1-based): chr16:2,080,264, C>G. VCF-style: chr16-2080264-C-G. GRCh37 (hg19) VCF-style: chr16-2130265-C-G.
Other names: c.3365C>G, p.Pro1122Arg (NM_001077183.3, NM_001370404.1); c.3497C>G, p.Pro1166Arg (NM_001114382.3); c.3257C>G, p.Pro1086Arg (NM_001318827.2); c.3221C>G, p.Pro1074Arg (NM_001318829.2); c.2765C>G, p.Pro922Arg (NM_001318831.2); c.3398C>G, p.Pro1133Arg (NM_001318832.2); c.3368C>G, p.Pro1123Arg (NM_001363528.2, NM_001370405.1, NM_021055.3); short protein forms P1074R, P1086R, P1122R, P1123R, P1133R, P1166R, P922R.
Identifiers: ClinVar variation 1062740 (VCV001062740.9), dbSNP rs762650392, ClinGen allele CA394289168.